The following is an entry in ClinVar:

NM_001083619.3(GRIA2):c.455A>G (p.Tyr152Cys)

Gene: GRIA2 (glutamate ionotropic receptor AMPA type subunit 2; plus strand). Cytogenetic location: 4q32.1.
Variant type: single nucleotide variant.
Coding change: c.455A>G on transcript NM_001083619.3 (MANE Select); coding-DNA position 455, A replaced by G.
Protein change: p.Tyr152Cys; replaces tyrosine 152 with cysteine.
Molecular consequence: missense variant.
Genome position (GRCh38, 1-based): chr4:157,303,777, A>G. VCF-style: chr4-157303777-A-G. GRCh37 (hg19) VCF-style: chr4-158224929-A-G.
Other names: c.455A>G, p.Tyr152Cys (NM_000826.6); c.314A>G, p.Tyr105Cys (NM_001083620.3, NM_001379000.3, NM_001379001.3); short protein forms Y105C, Y152C.
Identifiers: ClinVar variation 2571687 (VCV002571687.1), dbSNP rs1733721154, ClinGen allele CA358649711.

ClinVar aggregate classification (germline): Uncertain significance (1 of 4 stars; one submission).

Allele frequency attached by ClinVar (database versions not stated): gnomAD exomes below 0.00001; gnomAD 0.00001; TOPMed 0.00002.
gnomAD v4.1: 3 of 1,613,158 alleles (0.00019%); highest among the groups gnomAD compares: Admixed American, 0.0033%; no homozygotes.

Submission:

GeneDx
Classification: Uncertain significance. Last evaluated: 2023-01-04. Review status: criteria provided, single submitter. Criteria: GeneDx Variant Classification Process June 2021. Collection method: clinical testing. Allele origin: germline. Affected: yes.
Comment: Not observed at significant frequency in large population cohorts (gnomAD); In silico analysis supports that this missense variant has a deleterious effect on protein structure/function; Has not been previously published as pathogenic or benign to our knowledge